The following is an entry in ClinVar:

NM_031407.7(HUWE1):c.9581T>C (p.Phe3194Ser)

Gene: HUWE1 (HECT, UBA and WWE domain containing E3 ubiquitin protein ligase 1; minus strand). Cytogenetic location: Xp11.22.
Variant type: single nucleotide variant.
Coding change: c.9581T>C on transcript NM_031407.7 (MANE Select); coding-DNA position 9581, T replaced by C.
Protein change: p.Phe3194Ser; replaces phenylalanine 3194 with serine.
Molecular consequence: missense variant.
Genome position (GRCh38, 1-based): chrX:53,549,413, A>G on the plus strand (T>C on the coding strand, the complement: HUWE1 is on the minus strand). VCF-style: chrX-53549413-A-G. GRCh37 (hg19) VCF-style: chrX-53576374-A-G.
Other names: short protein forms F3194S.
Identifiers: ClinVar variation 375717 (VCV000375717.2), dbSNP rs782393002, ClinGen allele CA413137932.

ClinVar aggregate classification (germline): Likely pathogenic (1 of 4 stars; one submission).

Conditions:
Intellectual developmental disorder, X-linked, syndromic, Turner type. Also called: Intellectual disability, X-linked syndromic, Turner type; X-linked intellectual disability, Turner type. Identifiers: Orphanet 3056, Orphanet 85328, MedGen C2678046, MONDO:0010407, OMIM 309590.

Submission:

Center for Medical Genetics and Molecular Medicine, Haukeland University Hospital
Classification: Likely pathogenic for Intellectual developmental disorder, X-linked, syndromic, Turner type. Last evaluated: 2017-01-18. Review status: criteria provided, single submitter. Criteria: ACMG Guidelines, 2015. Collection method: clinical testing. Allele origin: de novo. Inheritance: X-linked inheritance. Affected: no. Observed: 1 variant allele.
Comment: ACMG evidence: PS(1), PM(1), PP(2)